The following is an entry in ClinVar:

ClinVar aggregate classification (germline): Uncertain significance. Review status: criteria provided, multiple submitters, no conflicts (2 of 4 stars). 2 submissions from 2 submitters: Uncertain significance (2). Last evaluated 2024-04-22.

Conditions:
Catecholaminergic polymorphic ventricular tachycardia 1. Also called: VENTRICULAR TACHYCARDIA, CATECHOLAMINERGIC POLYMORPHIC, 1, WITH OR WITHOUT ATRIAL DYSFUNCTION AND/OR DILATED CARDIOMYOPATHY; VENTRICULAR TACHYCARDIA, STRESS-INDUCED POLYMORPHIC 1; RYR2-Related Catecholaminergic Polymorphic Ventricular Tachycardia. Identifiers: Orphanet 3286, MedGen C1631597, MONDO:0011484, OMIM 604772.

Allele frequency attached by ClinVar (database versions not stated): ExAC 0.00001; gnomAD 0.00001; 1000 Genomes Project 30x 0.00016; 1000 Genomes Project 0.00020.
gnomAD v4.1: 1 of 1,611,262 alleles (0.000062%); highest among the groups gnomAD compares: African/African-American, 0.0013%; no homozygotes.

Submissions (2):

Labcorp Genetics (formerly Invitae), Labcorp
Classification: Uncertain significance for Catecholaminergic polymorphic ventricular tachycardia 1. Last evaluated: 2024-04-22. Review status: criteria provided, single submitter. Criteria: Invitae Variant Classification Sherloc (09022015). Collection method: clinical testing. Allele origin: germline.
Comment: This sequence change replaces glycine, which is neutral and non-polar, with valine, which is neutral and non-polar, at codon 4662 of the RYR2 protein (p.Gly4662Val). The frequency data for this variant in the population databases is considered unreliable, as metrics indicate poor data quality at this position in the gnomAD database. This variant has not been reported in the literature in individuals affected with RYR2-related conditions. Advanced modeling of protein sequence and biophysical properties (such as structural, functional, and spatial information, amino acid conservation, physicochemical variation, residue mobility, and thermodynamic stability) performed at Invitae indicates that this missense variant is expected to disrupt RYR2 protein function with a positive predictive value of 95%. In summary, the available evidence is currently insufficient to determine the role of this variant in disease. Therefore, it has been classified as a Variant of Uncertain Significance.

GeneDx
Classification: Uncertain significance. Last evaluated: 2024-03-07. Review status: criteria provided, single submitter. Criteria: GeneDx Variant Classification Process June 2021. Collection method: clinical testing. Allele origin: germline. Affected: yes.
Comment: Not observed at significant frequency in large population cohorts (gnomAD); In silico analysis supports that this missense variant has a deleterious effect on protein structure/function; Has not been previously published as pathogenic or benign to our knowledge

NM_001035.3(RYR2):c.13985G>T (p.Gly4662Val)

Gene: RYR2 (ryanodine receptor 2; plus strand). Cytogenetic location: 1q43.
Variant type: single nucleotide variant.
Coding change: c.13985G>T on transcript NM_001035.3 (MANE Select); coding-DNA position 13985, G replaced by T.
Protein change: p.Gly4662Val; replaces glycine 4662 with valine.
Molecular consequence: missense variant.
Genome position (GRCh38, 1-based): chr1:237,798,065, G>T. VCF-style: chr1-237798065-G-T. GRCh37 (hg19) VCF-style: chr1-237961365-G-T.
Other names: c.13985G>T (NM_001035.2); short protein forms G4662V.
Identifiers: ClinVar variation 2847832 (VCV002847832.3), dbSNP rs568285574, ClinGen allele CA067936.